The following is an entry in ClinVar:

NM_182931.3(KMT2E):c.4235C>T (p.Ser1412Leu)

Gene: KMT2E (lysine methyltransferase 2E (inactive); plus strand). Cytogenetic location: 7q22.3.
Variant type: single nucleotide variant.
Coding change: c.4235C>T on transcript NM_182931.3 (MANE Select); coding-DNA position 4235, C replaced by T.
Protein change: p.Ser1412Leu; replaces serine 1412 with leucine.
Molecular consequence: missense variant.
Genome position (GRCh38, 1-based): chr7:105,111,991, C>T. VCF-style: chr7-105111991-C-T. GRCh37 (hg19) VCF-style: chr7-104752438-C-T.
Other names: c.4235C>T (NM_182931.2); c.4235C>T, p.Ser1412Leu (NM_018682.4); short protein forms S1412L.
Identifiers: ClinVar variation 1029709 (VCV001029709.3), dbSNP rs1799314293, ClinGen allele CA368792113.

ClinVar aggregate classification (germline): Uncertain significance. Review status: criteria provided, multiple submitters, no conflicts (2 of 4 stars). 3 submissions from 3 submitters: Uncertain significance (3). Last evaluated 2025-03-25.

Conditions:
O'Donnell-Luria-Rodan syndrome (ODLURO). Also called: KMT2E-Related Neurodevelopmental Disorder. Identifiers: MedGen C5193138, MONDO:0032793, OMIM 618512.
Inborn genetic diseases. Identifiers: MedGen C0950123, MeSH D030342.

Allele frequency attached by ClinVar (database versions not stated): gnomAD exomes below 0.00001; gnomAD 0.00001.
gnomAD v4.1: 3 of 1,614,068 alleles (0.00019%); highest among the groups gnomAD compares: Admixed American, 0.005%; no homozygotes.

Submissions (3):

Ambry Genetics
Classification: Uncertain significance for Inborn genetic diseases. Last evaluated: 2025-03-25. Review status: criteria provided, single submitter. Criteria: Ambry Variant Classification Scheme 2023. Collection method: clinical testing. Allele origin: germline.

GeneDx
Classification: Uncertain significance. Last evaluated: 2022-11-30. Review status: criteria provided, single submitter. Criteria: GeneDx Variant Classification Process June 2021. Collection method: clinical testing. Allele origin: germline. Affected: yes.
Comment: Not observed at significant frequency in large population cohorts (gnomAD); In silico analysis supports that this missense variant does not alter protein structure/function; Has not been previously published as pathogenic or benign to our knowledge

Baylor Genetics
Classification: Uncertain significance for O'Donnell-Luria-Rodan syndrome. Last evaluated: 2020-02-13. Review status: criteria provided, single submitter. Criteria: ACMG Guidelines, 2015. Collection method: clinical testing. Allele origin: unknown. Affected: yes.
Comment: This variant was determined to be of uncertain significance according to ACMG Guidelines, 2015 [PMID:25741868].